The following is an entry in ClinVar:

ClinVar aggregate classification (germline): Benign/Likely benign. Review status: criteria provided, multiple submitters, no conflicts (2 of 4 stars). 8 submissions from 8 submitters: Benign (3); Likely benign (4). 1 of the submissions does not count toward it. Last evaluated 2026-02-02.

Conditions:
Oto-palato-digital syndrome, type II (OPD2). Also called: OPD II SYNDROME; FACIOPALATOOSSEOUS SYNDROME; Otopalatodigital Syndrome Type 2 (FLNA-OPD2); Otopalatodigital Syndrome, Type II. Identifiers: Orphanet 669, Orphanet 90652, MedGen C1844696, MONDO:0010571, OMIM 304120.
Melnick-Needles syndrome (MNS). Also called: MELNICK-NEEDLES OSTEODYSPLASTY; OSTEODYSPLASTY OF MELNICK AND NEEDLES; Melnick-Needles Syndrome (FLNA-MNS). Identifiers: Orphanet 2484, MedGen C0025237, MONDO:0010650, OMIM 309350.
Frontometaphyseal dysplasia (FMD1). Identifiers: Orphanet 1826, MedGen C0265293, MONDO:0015942.
Heterotopia, periventricular, X-linked dominant (PVNH1). Also called: PERIVENTRICULAR NODULAR HETEROTOPIA 1; PERIVENTRICULAR NODULAR HETEROTOPIA 4; HETEROTOPIA, PERIVENTRICULAR, 1; X-linked periventricular heterotopia. Identifiers: Orphanet 2149, Orphanet 82004, MedGen C1848213, MONDO:0010233, OMIM 300049.
FLNA-related disorder.
Familial thoracic aortic aneurysm and aortic dissection (TAAD). Also called: Thoracic aortic aneurysms and dissections. Identifiers: Orphanet 91387, MedGen C4707243, MONDO:0019625.

Allele frequency attached by ClinVar (database versions not stated): gnomAD 0.00008 and 0.00010; gnomAD exomes 0.00008 and 0.00010; TOPMed 0.00009; ExAC 0.00014; 1000 Genomes Project 30x 0.00021; 1000 Genomes Project 0.00026; ESP Exome Variant Server 0.00030.
gnomAD v4.1: 97 of 1,211,130 alleles (0.008%); highest among the groups gnomAD compares: Middle Eastern, 0.023%; no homozygotes.

Submissions (8):

Labcorp Genetics (formerly Invitae), Labcorp
Classification: Benign for Oto-palato-digital syndrome, type II; Heterotopia, periventricular, X-linked dominant; Frontometaphyseal dysplasia; Melnick-Needles syndrome. Last evaluated: 2026-02-02. Review status: criteria provided, single submitter. Criteria: Invitae Variant Classification Sherloc (09022015). Collection method: clinical testing. Allele origin: germline.

Mayo Clinic Laboratories, Mayo Clinic
Classification: Likely benign. Last evaluated: 2025-10-26. Review status: criteria provided, single submitter. Criteria: ACMG Guidelines, 2015. Collection method: clinical testing. Allele origin: germline. Observed: 1 variant allele.
Comment: BP4, BP7

ARUP Laboratories, Molecular Genetics and Genomics, ARUP Laboratories
Classification: Likely benign. Last evaluated: 2024-11-26. Review status: criteria provided, single submitter. Criteria: ARUP Molecular Germline Variant Investigation Process 2024. Collection method: clinical testing. Allele origin: germline.

Blueprint Genetics
Classification: Likely benign. Last evaluated: 2024-11-04. Review status: criteria provided, single submitter. Criteria: ACMG Guidelines, 2015. Collection method: clinical testing. Allele origin: germline.

Women's Health and Genetics/Laboratory Corporation of America, LabCorp
Classification: Benign. Last evaluated: 2023-10-19. Review status: criteria provided, single submitter. Criteria: LabCorp Variant Classification Summary - May 2015. Collection method: clinical testing. Allele origin: germline.

GeneDx
Classification: Likely benign. Last evaluated: 2021-02-25. Review status: criteria provided, single submitter. Criteria: GeneDx Variant Classification Process June 2021. Collection method: clinical testing. Allele origin: germline. Affected: yes.

Ambry Genetics
Classification: Benign for Familial thoracic aortic aneurysm and aortic dissection. Last evaluated: 2020-12-10. Review status: criteria provided, single submitter. Criteria: Ambry Variant Classification Scheme 2023. Collection method: clinical testing. Allele origin: germline.

PreventionGenetics, part of Exact Sciences
Classification: Likely benign for FLNA-related condition. Last evaluated: 2023-05-30. Review status: no assertion criteria provided. Collection method: clinical testing. Allele origin: germline. Not counted in ClinVar's aggregate classification.
Comment: This variant is classified as likely benign based on ACMG/AMP sequence variant interpretation guidelines (Richards et al. 2015 PMID: 25741868, with internal and published modifications).

NM_001110556.2(FLNA):c.3504C>T (p.Pro1168=)

Gene: FLNA (filamin A; minus strand). Cytogenetic location: Xq28.
Variant type: single nucleotide variant.
Coding change: c.3504C>T on transcript NM_001110556.2 (MANE Select); coding-DNA position 3504, C replaced by T.
Protein change: p.Pro1168=; no amino-acid change (proline 1168 retained).
Molecular consequence: synonymous variant.
Genome position (GRCh38, 1-based): chrX:154,360,291, G>A on the plus strand (C>T on the coding strand, the complement: FLNA is on the minus strand). VCF-style: chrX-154360291-G-A. GRCh37 (hg19) VCF-style: chrX-153588659-G-A.
Other names: p.Pro1168=; c.3504C>T (NM_001110556.1); c.3504C>T, p.Pro1168= (NM_001456.4).
Identifiers: ClinVar variation 413404 (VCV000413404.20), dbSNP rs368009936, ClinGen allele CA10560698.